The following is an entry in ClinVar:

ClinVar aggregate classification (germline): Likely benign (1 of 4 stars; one submission).

Allele frequency attached by ClinVar (database versions not stated): gnomAD 0.00001; gnomAD exomes 0.00001.
gnomAD v4.1: 17 of 1,602,410 alleles (0.0011%); highest among the groups gnomAD compares: Admixed American, 0.0017%; no homozygotes.

Submission:

CeGaT Center for Human Genetics Tuebingen
Classification: Likely benign. Last evaluated: 2024-03-01. Review status: criteria provided, single submitter. Criteria: CeGaT Center For Human Genetics Tuebingen Variant Classification Criteria Version 2. Collection method: clinical testing. Allele origin: germline. Affected: yes. Observed: 1 variant allele.
Comment: MYH14: BP4, BP7

NM_001145809.2(MYH14):c.4128C>T (p.His1376=)

Gene: MYH14 (myosin heavy chain 14; plus strand). Cytogenetic location: 19q13.33.
Variant type: single nucleotide variant.
Coding change: c.4128C>T on transcript NM_001145809.2 (MANE Select); coding-DNA position 4128, C replaced by T.
Protein change: p.His1376=; no amino-acid change (histidine 1376 retained).
Molecular consequence: synonymous variant.
Genome position (GRCh38, 1-based): chr19:50,280,132, C>T. VCF-style: chr19-50280132-C-T. GRCh37 (hg19) VCF-style: chr19-50783389-C-T.
Other names: c.4029C>T, p.His1343= (NM_001077186.2); c.4005C>T, p.His1335= (NM_024729.4).
Identifiers: ClinVar variation 3067417 (VCV003067417.21), dbSNP rs1417802691, ClinGen allele CA508177335.